The following is an entry in ClinVar:

NM_015001.3(SPEN):c.5740C>T (p.His1914Tyr)

Gene: SPEN (spen family transcriptional repressor; plus strand). Cytogenetic location: 1p36.13.
Variant type: single nucleotide variant.
Coding change: c.5740C>T on transcript NM_015001.3 (MANE Select); coding-DNA position 5740, C replaced by T.
Protein change: p.His1914Tyr; replaces histidine 1914 with tyrosine.
Molecular consequence: missense variant.
Genome position (GRCh38, 1-based): chr1:15,931,980, C>T. VCF-style: chr1-15931980-C-T. GRCh37 (hg19) VCF-style: chr1-16258475-C-T.
Other names: short protein forms H1914Y.
Identifiers: ClinVar variation 2632469 (VCV002632469.1), dbSNP rs201069603, ClinGen allele CA18278578.
Genomic context (GRCh38, chr1:15,931,980, plus strand): 5'-TTGCCTCTCAGCCGAACAAGGCGCCGGAATGTAAGGAGCGTCTATGCAACCATGGGTGAC[C>T]ATGAAAACCGCTCTCCTGTCAAAGAGCCCGTTGAGCAACCAAGAGTGACCAGAAAGAGAT-3'
Protein context (NP_055816.2, residues 1904-1924): VRSVYATMGD[His1914Tyr]ENRSPVKEPV

ClinVar aggregate classification (germline): Uncertain significance (1 of 4 stars; one submission).

Conditions:
SPEN-related disorder. Also called: SPEN-related condition.

Allele frequency attached by ClinVar (database versions not stated): gnomAD exomes below 0.00001.
gnomAD v4.1: 4 of 1,614,184 alleles (0.00025%); highest among the groups gnomAD compares: South Asian, 0.0022%; no homozygotes.

Submission:

PreventionGenetics, part of Exact Sciences
Classification: Uncertain significance for SPEN-related condition. Last evaluated: 2023-07-19. Review status: criteria provided, single submitter. Criteria: ACMG Guidelines, 2015. Collection method: clinical testing. Allele origin: germline.
Comment: The SPEN c.5740C>T variant is predicted to result in the amino acid substitution p.His1914Tyr. To our knowledge, this variant has not been reported in the literature or in a large population database, indicating this variant is rare. At this time, the clinical significance of this variant is uncertain due to the absence of conclusive functional and genetic evidence.